The following is an entry in ClinVar:

ClinVar aggregate classification (germline): Pathogenic (1 of 4 stars; one submission).

Conditions:
Hereditary spastic paraplegia 28. Also called: Spastic paraplegia 28, autosomal recessive. Identifiers: Orphanet 101008, MedGen C1836295, MONDO:0012256, OMIM 609340.

Submission:

Labcorp Genetics (formerly Invitae), Labcorp
Classification: Pathogenic for Hereditary spastic paraplegia 28. Last evaluated: 2022-05-22. Review status: criteria provided, single submitter. Criteria: Invitae Variant Classification Sherloc (09022015). Collection method: clinical testing. Allele origin: germline.
Comment: This variant is not present in population databases (gnomAD no frequency). This sequence change creates a premature translational stop signal (p.His155Argfs*8) in the DDHD1 gene. It is expected to result in an absent or disrupted protein product. Loss-of-function variants in DDHD1 are known to be pathogenic (PMID: 23176821, 24989667, 26944165, 27216551). This variant has not been reported in the literature in individuals affected with DDHD1-related conditions. For these reasons, this variant has been classified as Pathogenic.

Literature cited by the submitters: PubMed 23176821; PubMed 24989667; PubMed 26944165; PubMed 27216551.

NM_001160148.2(DDHD1):c.456_463dup (p.His155fs)

Gene: DDHD1 (DDHD domain containing 1; minus strand). Cytogenetic location: 14q22.1.
Variant type: Microsatellite.
Coding change: c.456_463dup on transcript NM_001160148.2 (MANE Select); coding-DNA positions 456 to 463, 8 bases duplicated (GGCCCGGC; older notation c.456_463dupGGCCCGGC).
Protein change: p.His155fs; shifts the reading frame from histidine 155.
Molecular consequence: frameshift variant.
Genome position (GRCh38, 1-based): chr14:53,152,636-53,152,643, GCCGGGCC duplicated on the plus strand (GGCCCGGC on the coding strand, the reverse complement: DDHD1 is on the minus strand); duplicating any 8 consecutive bases within chr14:53,152,636-53,152,654 gives the same sequence; the c. name uses the placement nearest the transcript's 3' end. VCF-style (leftmost placement, unchanged base first): chr14-53152635-T-TGCCGGGCC. GRCh37 (hg19) VCF-style: chr14-53619353-T-TGCCGGGCC.
Other names: c.456_463dup, p.His155fs (NM_001160147.2, NM_030637.3); short protein forms H155fs.
Identifiers: ClinVar variation 2099568 (VCV002099568.4), dbSNP rs781505420, ClinGen allele CA2580613687.